The following is an entry in ClinVar:

NM_020822.3(KCNT1):c.3544A>C (p.Ile1182Leu)

Gene: KCNT1 (potassium sodium-activated channel subfamily T member 1; plus strand). Cytogenetic location: 9q34.3.
Variant type: single nucleotide variant.
Coding change: c.3544A>C on transcript NM_020822.3 (MANE Select); coding-DNA position 3544, A replaced by C.
Protein change: p.Ile1182Leu; replaces isoleucine 1182 with leucine.
Molecular consequence: missense variant.
Genome position (GRCh38, 1-based): chr9:135,791,838, A>C. VCF-style: chr9-135791838-A-C. GRCh37 (hg19) VCF-style: chr9-138683684-A-C.
Other names: c.3472A>C, p.Ile1158Leu (NM_001272003.2); short protein forms I1158L, I1182L.
Identifiers: ClinVar variation 833715 (VCV000833715.15), dbSNP rs1161862851, ClinGen allele CA375493899.

ClinVar aggregate classification (germline): Conflicting classifications of pathogenicity. Review status: criteria provided, conflicting classifications (1 of 4 stars). 3 submissions from 3 submitters: Uncertain significance (2); Likely benign (1). Last evaluated 2019-03-06.

Conditions:
Inborn genetic diseases. Identifiers: MedGen C0950123, MeSH D030342.
Autosomal dominant nocturnal frontal lobe epilepsy 5. Also called: CILIARY DYSKINESIA, PRIMARY, 28, WITHOUT SITUS INVERSUS; KCNT1-Related Epilepsy; CILIARY DYSKINESIA, PRIMARY, 28, WITH SITUS INVERSUS; Epilepsy, nocturnal frontal lobe, 5. Identifiers: Orphanet 98784, MedGen C3554306, MONDO:0014002, OMIM 615005.
Developmental and epileptic encephalopathy, 14 (DEE14). Also called: Early infantile epileptic encephalopathy 14. Identifiers: Orphanet 293181, MedGen C3554195, MONDO:0013989, OMIM 614959.

Allele frequency attached by ClinVar (database versions not stated): gnomAD exomes below 0.00001.

Submissions (3):

Illumina Laboratory Services, Illumina
Classification: Uncertain significance for KCNT1-related epilepsy. Last evaluated: 2019-03-06. Review status: criteria provided, single submitter. Criteria: ICSLVariantClassificationCriteria RUGD 01 April 2020. Collection method: clinical testing. Allele origin: unknown.
Comment: The KCNT1 c.3544A>C (p.Ile1182Leu) variant is a missense variant. A literature search was performed for the gene, cDNA change, and amino acid change. No publications were found through this search. This variant is reported at a frequency of 0.000009 in the European (non-Finnish) population of the Genome Aggregation Database. This frequency is based on one allele only in a region of good sequencing coverage, so the variant is presumed to be rare. The p.Ile1182Leu variant is not located in a known functional domain, and in silico algorithms differ in their predictions about the consequence of this variant. Missense variants are a known cause of KCNT1-related epilepsy, but considerable benign missense variation in this gene has been reported. Based on the limited evidence available, the p.Ile1182Leu variant is classified as a variant of uncertain significance for KCNT1-related epilepsy.

Labcorp Genetics (formerly Invitae), Labcorp
Classification: Likely benign for Autosomal dominant nocturnal frontal lobe epilepsy 5; Developmental and epileptic encephalopathy, 14. Last evaluated: 2019-02-13. Review status: criteria provided, single submitter. Criteria: Invitae Variant Classification Sherloc (09022015). Collection method: clinical testing. Allele origin: germline.

Ambry Genetics
Classification: Uncertain significance for Inborn genetic diseases. Last evaluated: 2018-07-20. Review status: criteria provided, single submitter. Criteria: Ambry Variant Classification Scheme 2023. Collection method: clinical testing. Allele origin: germline.
Comment: The p.I1182L variant (also known as c.3544A>C), located in coding exon 30 of the KCNT1 gene, results from an A to C substitution at nucleotide position 3544. The isoleucine at codon 1182 is replaced by leucine, an amino acid with highly similar properties. This amino acid position is highly conserved in available vertebrate species. In addition, this alteration is predicted to be tolerated by in silico analysis. Since supporting evidence is limited at this time, the clinical significance of this alteration remains unclear.